The following is an entry in ClinVar:

NM_001366521.1(ATP2B1):c.1190_1192del (p.Phe397del)

Gene: ATP2B1 (ATPase plasma membrane Ca2+ transporting 1; minus strand). Cytogenetic location: 12q21.33.
Variant type: Deletion.
Coding change: c.1190_1192del on transcript NM_001366521.1 (MANE Select); coding-DNA positions 1190 to 1192, 3 bases deleted (TCT; older notation c.1190_1192delTCT).
Protein change: p.Phe397del; deletes phenylalanine 397.
Molecular consequence: inframe deletion. On other transcripts: non-coding transcript variant (3).
Genome position (GRCh38, 1-based): chr12:89,624,335-89,624,337, AGA deleted on the plus strand (TCT on the coding strand, the reverse complement: ATP2B1 is on the minus strand); deleting any 3 consecutive bases within chr12:89,624,335-89,624,339 gives the same sequence; the c. name uses the placement nearest the transcript's 3' end. VCF-style (leftmost placement, unchanged base first): chr12-89624334-CAGA-C. GRCh37 (hg19) VCF-style: chr12-90018111-CAGA-C.
Other names: c.1190_1192del, p.Phe397del (NM_001001323.2, NM_001366520.1, NM_001366522.1 and 13 more transcripts); c.1151_1153del, p.Phe384del (NM_001413048.1); c.1049_1051del, p.Phe350del (NM_001413051.1, NM_001413052.1, NM_001413055.1); c.992_994del, p.Phe331del (NM_001413053.1, NM_001366530.1); c.629_631del, p.Phe210del (NM_001366531.1, NM_001366532.1, NM_001413058.1 and 2 more transcripts); c.935_937del, p.Phe312del (NM_001413056.1); c.737_739del, p.Phe246del (NM_001413057.1); short protein forms F210del, F246del, F312del, F331del, F350del, F384del, F397del.
Identifiers: ClinVar variation 4078082 (VCV004078082.5).

ClinVar aggregate classification (germline): Uncertain significance. Review status: criteria provided, multiple submitters, no conflicts (2 of 4 stars). 2 submissions from 2 submitters: Uncertain significance (2). Last evaluated 2026-03-01.

Conditions:
Intellectual developmental disorder, autosomal dominant 66. Also called: MENTAL RETARDATION, AUTOSOMAL DOMINANT 66. Identifiers: MedGen C5677000, MONDO:0030891, OMIM 619910.

Submissions (2):

CeGaT Center for Human Genetics Tuebingen
Classification: Uncertain significance. Last evaluated: 2026-03-01. Review status: criteria provided, single submitter. Criteria: CeGaT Center For Human Genetics Tuebingen Variant Classification Criteria Version 2. Collection method: clinical testing. Allele origin: germline. Affected: yes. Observed: 1 variant allele.
Comment: ATP2B1: PM4:Supporting

Revvity Omics, Revvity
Classification: Uncertain significance for Intellectual developmental disorder, autosomal dominant 66. Last evaluated: 2025-01-12. Review status: criteria provided, single submitter. Criteria: ACMG Guidelines, 2015. Collection method: clinical testing. Allele origin: germline.